The following is an entry in ClinVar:

GRCh38/hg38 15q11.2-12(chr15:20966971-25963714)x1

Genes: ATP10A (ATPase phospholipid transporting 10A (putative); minus strand), ATP10A-DT (ATP10A divergent transcript; plus strand), CYFIP1 (cytoplasmic FMR1 interacting protein 1; minus strand), FAM30C (family with sequence similarity 30 member C), GOLGA6L1 (golgin A6 family like 1; minus strand) and 160 more. Cytogenetic location: 15q11.2-12.
Variant type: copy number loss.
Change: copy number 1 (one copy instead of two) of chr15:20,966,971-25,963,714 (5.00 Mb, GRCh38 coordinates, 1-based), cytogenetic band 15q11.2-12.
Identifiers: ClinVar variation 2579285 (VCV002579285.1).

ClinVar aggregate classification (germline): Pathogenic (1 of 4 stars; one submission).

Conditions:
Angelman syndrome (AS). Also called: HAPPY PUPPET SYNDROME. Identifiers: Orphanet 72, MedGen C0162635, MONDO:0007113, OMIM 105830. Disease mechanism: loss of function. Inheritance: AS is caused by disruption of maternally imprinted UBE3A located within the 15q11.2-q13 Angelman syndrome/Prader-Willi syndrome (AS/PWS) region., imprinting disorder.

Submission:

Broad Center for Mendelian Genomics, Broad Institute of MIT and Harvard
Classification: Pathogenic for Angelman syndrome. Last evaluated: 2023-08-24. Review status: criteria provided, single submitter. Criteria: ACMG/ClinGen CNV Guidelines, 2019. Collection method: research. Allele origin: de novo. Inheritance: Autosomal dominant inheritance with maternal imprinting. Affected: yes.
Comment: These breakpoints have been estimated by qPCR and therefore may not reflect the true breakpoints. The patient phenotype is nonspecific, but is consistent with cases described in the literature and/or published databases with overlapping variants. There is complete overlap with the UBE3A gene which is known to be haploinsufficient and has been assessed by the ClinGen Dosage Sensitivity Working Group. In summary, the 15q11.2-12 deletion meets criteria to be classified as pathogenic. The ACMG/ClinGen evidence codes and points used in this curation are as follows: 1: 0 points, 2: 1.00 points, 3: 0 points, 4-5: 0.15 points; Total: 1.15 points; Riggs 2020 (PMID: 31690835)